The following is an entry in ClinVar:

NM_015040.4(PIKFYVE):c.4455G>A (p.Ser1485=)

Gene: PIKFYVE (phosphoinositide kinase, FYVE-type zinc finger containing; plus strand). Cytogenetic location: 2q34.
Variant type: single nucleotide variant.
Coding change: c.4455G>A on transcript NM_015040.4 (MANE Select); coding-DNA position 4455, G replaced by A.
Protein change: p.Ser1485=; no amino-acid change (serine 1485 retained).
Molecular consequence: synonymous variant.
Genome position (GRCh38, 1-based): chr2:208,336,135, G>A. VCF-style: chr2-208336135-G-A. GRCh37 (hg19) VCF-style: chr2-209200859-G-A.
Identifiers: ClinVar variation 333921 (VCV000333921.13), dbSNP rs145498570, ClinGen allele CA2080323.

ClinVar aggregate classification (germline): Benign/Likely benign. Review status: criteria provided, multiple submitters, no conflicts (2 of 4 stars). 3 submissions from 3 submitters: Benign (2); Likely benign (1). Last evaluated 2025-10-01.

Conditions:
Fleck corneal dystrophy (CFD). Also called: CORNEAL DYSTROPHY, FRANCOIS-NEETENS SPECKLED OR FLECKED. Identifiers: Orphanet 98970, MedGen C1562113, MONDO:0007376, OMIM 121850.

Allele frequency attached by ClinVar (database versions not stated): TOPMed 0.00063; gnomAD exomes 0.00064; ExAC 0.00068; gnomAD 0.00073 and 0.00076; ESP Exome Variant Server 0.00131.
gnomAD v4.1: 1,940 of 1,613,880 alleles (0.12%); highest among the groups gnomAD compares: Non-Finnish European, 0.16%; 3 homozygotes.

Submissions (3):

Labcorp Genetics (formerly Invitae), Labcorp
Classification: Benign. Last evaluated: 2025-10-01. Review status: criteria provided, single submitter. Criteria: Invitae Variant Classification Sherloc (09022015). Collection method: clinical testing. Allele origin: germline.

Blueprint Genetics
Classification: Likely benign. Last evaluated: 2024-11-23. Review status: criteria provided, single submitter. Criteria: ACMG Guidelines, 2015. Collection method: clinical testing. Allele origin: germline.

Illumina Laboratory Services, Illumina
Classification: Benign for Fleck corneal dystrophy. Last evaluated: 2018-01-13. Review status: criteria provided, single submitter. Criteria: ICSL Variant Classification Criteria 13 December 2019. Collection method: clinical testing. Allele origin: germline.
Comment: This variant was observed in the ICSL laboratory as part of a predisposition screen in an ostensibly healthy population. It had not been previously curated by ICSL or reported in the Human Gene Mutation Database (HGMD: prior to June 1st, 2018), and was therefore a candidate for classification through an automated scoring system. Utilizing variant allele frequency, disease prevalence and penetrance estimates, and inheritance mode, an automated score was calculated to assess if this variant is too frequent to cause the disease. Based on the score and internal cut-off values, a variant classified as benign is not then subjected to further curation. The score for this variant resulted in a classification of benign for this disease.